The following is an entry in ClinVar:

ClinVar aggregate classification (germline): Uncertain significance. Review status: reviewed by expert panel (3 of 4 stars). 4 submissions from 4 submitters: Uncertain significance (1). 3 of the submissions do not count toward it. Last evaluated 2024-10-29.

Conditions:
Acute myeloid leukemia (AML). Also called: Leukemia, acute myeloid, somatic; Leukemia, acute myelogenous, somatic; Acute myeloid leukemia, adult; AML adult; Acute non-lymphocytic leukemia; Acute granulocytic leukemia. Identifiers: Orphanet 519, MedGen C0023467, MeSH D015470, MONDO:0018874, OMIM 601626, HP:0004808. Disease mechanism: Constitutively activated FLT3.
Hereditary thrombocytopenia and hematologic cancer predisposition syndrome. Identifiers: Orphanet 71290, MedGen CN281654, MONDO:0011071.
Inborn genetic diseases. Identifiers: MedGen C0950123, MeSH D030342.
Hereditary thrombocytopenia and hematological cancer predisposition syndrome associated with RUNX1. Also called: PLATELET DISORDER, ASPIRIN-LIKE; Familial thrombocytopenia with propensity to acute myelogenous leukemia; Familial Platelet Disorder with Propensity to Acute Myelogenous Leukemia; RUNX1 Familial Platelet Disorder with Associated Myeloid Malignancies. Identifiers: Orphanet 71290, MedGen C1832388, MeSH C563324, MONDO:0100083, OMIM 601399.

Allele frequency attached by ClinVar (database versions not stated): gnomAD exomes 0.00001 and 0.00004; TOPMed 0.00001; ExAC 0.00006.

Submissions (4):

ClinGen Myeloid Malignancy Variant Curation Expert Panel
Classification: Uncertain significance for Hereditary thrombocytopenia and hematologic cancer predisposition syndrome. Last evaluated: 2024-10-29. Review status: reviewed by expert panel. Criteria: ClinGen MyeloMalig ACMG Specifications v2. Collection method: curation. Allele origin: germline. Inheritance: Autosomal dominant inheritance.
Comment: NM_001754.5(RUNX1):c.925G>A (p.Gly309Ser) is a missense variant which has a REVEL score < 0.50 (0.325) and a SpliceAI score ≤ 0.20 (0.0) (BP4). In summary, the clinical significance of this variant is uncertain. ACMG/AMP criteria applied, as specified by the Myeloid Malignancy Variant Curation Expert Panel for RUNX1: BP4.

Ambry Genetics
Classification: Uncertain significance for Inborn genetic diseases. Last evaluated: 2024-12-12. Review status: criteria provided, single submitter. Criteria: Ambry Variant Classification Scheme 2023. Collection method: clinical testing. Allele origin: germline. Not counted in ClinVar's aggregate classification.
Comment: The p.G309S variant (also known as c.925G>A), located in coding exon 7 of the RUNX1 gene, results from a G to A substitution at nucleotide position 925. The glycine at codon 309 is replaced by serine, an amino acid with similar properties. This amino acid position is conserved. In addition, the in silico prediction for this alteration is inconclusive. Based on the available evidence, the clinical significance of this variant remains unclear.

Baylor Genetics
Classification: Uncertain significance for Acute myeloid leukemia. Last evaluated: 2023-10-15. Review status: criteria provided, single submitter. Criteria: ACMG Guidelines, 2015. Collection method: clinical testing. Allele origin: unknown. Not counted in ClinVar's aggregate classification.

Labcorp Genetics (formerly Invitae), Labcorp
Classification: Uncertain significance for Hereditary thrombocytopenia and hematological cancer predisposition syndrome associated with RUNX1. Last evaluated: 2023-09-26. Review status: criteria provided, single submitter. Criteria: Invitae Variant Classification Sherloc (09022015). Collection method: clinical testing. Allele origin: germline. Not counted in ClinVar's aggregate classification.
Comment: This variant is present in population databases (rs752288830, gnomAD 0.007%). In summary, the available evidence is currently insufficient to determine the role of this variant in disease. Therefore, it has been classified as a Variant of Uncertain Significance. Advanced modeling of protein sequence and biophysical properties (such as structural, functional, and spatial information, amino acid conservation, physicochemical variation, residue mobility, and thermodynamic stability) has been performed at Invitae for this missense variant, however the output from this modeling did not meet the statistical confidence thresholds required to predict the impact of this variant on RUNX1 protein function. ClinVar contains an entry for this variant (Variation ID: 573788). This variant has not been reported in the literature in individuals affected with RUNX1-related conditions. This sequence change replaces glycine, which is neutral and non-polar, with serine, which is neutral and polar, at codon 309 of the RUNX1 protein (p.Gly309Ser).

NM_001754.5(RUNX1):c.925G>A (p.Gly309Ser)

Gene: RUNX1 (RUNX family transcription factor 1; minus strand). Cytogenetic location: 21q22.12.
Variant type: single nucleotide variant.
Coding change: c.925G>A on transcript NM_001754.5 (MANE Select); coding-DNA position 925, G replaced by A.
Protein change: p.Gly309Ser; replaces glycine 309 with serine.
Molecular consequence: missense variant.
Genome position (GRCh38, 1-based): chr21:34,799,343, C>T on the plus strand (G>A on the coding strand, the complement: RUNX1 is on the minus strand). VCF-style: chr21-34799343-C-T. GRCh37 (hg19) VCF-style: chr21-36171640-C-T.
Other names: NM_001754.5(RUNX1):c.925G>A; p.Gly309Ser; c.844G>A, p.Gly282Ser (NM_001001890.3); short protein forms G309S, G282S.
Identifiers: ClinVar variation 573788 (VCV000573788.13), dbSNP rs752288830, ClinGen allele CA10014269.